The following is an entry in ClinVar:

ClinVar aggregate classification (germline): Likely benign (1 of 4 stars; one submission).

Submission:

GeneDx
Classification: Likely benign. Last evaluated: 2018-05-16. Review status: criteria provided, single submitter. Criteria: GeneDx Variant Classification (06012015). Collection method: clinical testing. Allele origin: germline. Affected: yes.
Comment: This variant is considered likely benign or benign based on one or more of the following criteria: it is a conservative change, it occurs at a poorly conserved position in the protein, it is predicted to be benign by multiple in silico algorithms, and/or has population frequency not consistent with disease.

NM_001267550.2(TTN):c.67845A>G (p.Lys22615=)

Genes: TTN (titin; minus strand), TTN-AS1 (TTN antisense RNA 1; plus strand), LOC126806423 (CDK7 strongly-dependent group 2 enhancer GRCh37_chr2:179443309-179444508; plus strand). Cytogenetic location: 2q31.2.
Variant type: single nucleotide variant.
Coding change: c.67845A>G on transcript NM_001267550.2 (MANE Select); coding-DNA position 67845, A replaced by G.
Protein change: p.Lys22615=; no amino-acid change (lysine 22615 retained).
Molecular consequence: synonymous variant.
Genome position (GRCh38, 1-based): chr2:178,579,185, T>C on the plus strand (A>G on the coding strand, the complement: TTN is on the minus strand). VCF-style: chr2-178579185-T-C. GRCh37 (hg19) VCF-style: chr2-179443912-T-C.
Other names: c.62922A>G, p.Lys20974= (NM_001256850.1); c.40650A>G, p.Lys13550= (NM_003319.4); c.60141A>G, p.Lys20047= (NM_133378.4); c.41025A>G, p.Lys13675= (NM_133432.3); c.41226A>G, p.Lys13742= (NM_133437.4).
Identifiers: ClinVar variation 668579 (VCV000668579.1), dbSNP rs1575864065, ClinGen allele CA430260046.